The following is an entry in ClinVar:

NM_032776.3(JMJD1C):c.353A>G (p.Glu118Gly)

Gene: JMJD1C (jumonji domain containing 1C; minus strand). Cytogenetic location: 10q21.3.
Variant type: single nucleotide variant.
Coding change: c.353A>G on transcript NM_032776.3 (MANE Select); coding-DNA position 353, A replaced by G.
Protein change: p.Glu118Gly; replaces glutamic acid 118 with glycine.
Molecular consequence: missense variant. On other transcripts: 5 prime UTR variant (5), intron variant (1).
Genome position (GRCh38, 1-based): chr10:63,264,745, T>C on the plus strand (A>G on the coding strand, the complement: JMJD1C is on the minus strand). VCF-style: chr10-63264745-T-C. GRCh37 (hg19) VCF-style: chr10-65024505-T-C.
Other names: c.-194A>G (NM_001282948.2, NM_001318154.2); c.-516A>G (NM_001318153.2); c.-199A>G (NM_001322254.2, NM_001322258.2); c.334-44762A>G (NM_001322252.2); short protein forms E118G.
Identifiers: ClinVar variation 843575 (VCV000843575.9), dbSNP rs1855319432, ClinGen allele CA377046132.

ClinVar aggregate classification (germline): Uncertain significance (1 of 4 stars; one submission).

Conditions:
Early Myoclonic Encephalopathy. Identifiers: MedGen C0270855.

Submission:

Labcorp Genetics (formerly Invitae), Labcorp
Classification: Uncertain significance for Early Myoclonic Encephalopathy. Last evaluated: 2025-10-23. Review status: criteria provided, single submitter. Criteria: Invitae Variant Classification Sherloc (09022015). Collection method: clinical testing. Allele origin: germline.
Comment: This sequence change replaces glutamic acid, which is acidic and polar, with glycine, which is neutral and non-polar, at codon 118 of the JMJD1C protein (p.Glu118Gly). This variant is not present in population databases (gnomAD no frequency). This variant has not been reported in the literature in individuals affected with JMJD1C-related conditions. ClinVar contains an entry for this variant (Variation ID: 843575). An algorithm developed to predict the effect of missense changes on protein structure and function outputs the following: PolyPhen-2: "Benign". The glycine amino acid residue is found in multiple mammalian species, which suggests that this missense change does not adversely affect protein function. In summary, the available evidence is currently insufficient to determine the role of this variant in disease. Therefore, it has been classified as a Variant of Uncertain Significance.